The following is an entry in ClinVar:

NM_022051.3(EGLN1):c.377C>T (p.Pro126Leu)

Gene: EGLN1 (egl-9 family hypoxia inducible factor 1; minus strand). Cytogenetic location: 1q42.2.
Variant type: single nucleotide variant.
Coding change: c.377C>T on transcript NM_022051.3 (MANE Select); coding-DNA position 377, C replaced by T.
Protein change: p.Pro126Leu; replaces proline 126 with leucine.
Molecular consequence: missense variant.
Genome position (GRCh38, 1-based): chr1:231,421,512, G>A on the plus strand (C>T on the coding strand, the complement: EGLN1 is on the minus strand). VCF-style: chr1-231421512-G-A. GRCh37 (hg19) VCF-style: chr1-231557258-G-A.
Other names: c.377C>T, p.Pro126Leu (NM_001377260.1, NM_001377261.1); short protein forms P126L.
Identifiers: ClinVar variation 2241071 (VCV002241071.3), dbSNP rs1656603895, ClinGen allele CA345237373.
Genomic context (GRCh38, chr1:231,421,512, plus strand): 5'-TTGCCGGGCTCGGCTTCGGCAGCCACCGCCGAGCCCTGGCCGCCGGCGGCCGCACGACAC[G>A]GCGACGCGGCCGCCGCTGGGTCGGCCGGGGGCTTGGCCTTTACTTTTCCCTTGGCCGCGT-3'
Protein context (NP_071334.1, residues 116-136): PPADPAAAAS[Pro126Leu]CRAAAGGQGS

ClinVar aggregate classification (germline): Uncertain significance (1 of 4 stars; one submission).

Submission:

Ambry Genetics
Classification: Uncertain significance. Last evaluated: 2025-02-14. Review status: criteria provided, single submitter. Criteria: Ambry Variant Classification Scheme 2023. Collection method: clinical testing. Allele origin: germline.
Comment: The p.P126L variant (also known as c.377C>T), located in coding exon 1 of the EGLN1 gene, results from a C to T substitution at nucleotide position 377. The proline at codon 126 is replaced by leucine, an amino acid with similar properties. This amino acid position is conserved. In addition, this alteration is predicted to be tolerated by in silico analysis. Based on the available evidence, the clinical significance of this variant remains unclear.